The following is an entry in ClinVar:

NM_004563.4(PCK2):c.273C>A (p.Asn91Lys)

Genes: PCK2 (phosphoenolpyruvate carboxykinase 2, mitochondrial; plus strand), NRL (neural retina leucine zipper; minus strand). Cytogenetic location: 14q11.2.
Variant type: single nucleotide variant.
Coding change: c.273C>A on transcript NM_004563.4 (MANE Select); coding-DNA position 273, C replaced by A.
Protein change: p.Asn91Lys; replaces asparagine 91 with lysine.
Molecular consequence: missense variant. On other transcripts: 5 prime UTR variant (1), intron variant (4).
Genome position (GRCh38, 1-based): chr14:24,097,135, C>A. VCF-style: chr14-24097135-C-A. GRCh37 (hg19) VCF-style: chr14-24566344-C-A.
Other names: c.273C>A (NM_004563.2); c.273C>A, p.Asn91Lys (NM_001018073.3); c.-130C>A (NM_001308054.2); c.-27-14260G>T (NM_001354768.3, NM_001354770.2); c.-253-12390G>T (NM_006177.5); c.-127-1068C>A (NM_001291556.2); short protein forms N91K.
Identifiers: ClinVar variation 2042878 (VCV002042878.5), dbSNP rs150238269, ClinGen allele CA7123056.
Genomic context (GRCh38, chr14:24,097,135, plus strand): 5'-TGCCACACTGACCCTGCTGGAGCAGCAGGGCCTCATCCGAAAGCTCCCCAAGTACAATAA[C>A]TGGTAAGCCTTGGGCTCCACAACCTGCAGGATAGGTGCACTGAGGCCACTTTGGGTTCAC-3'
Protein context (NP_004554.3, residues 81-101): GLIRKLPKYN[Asn91Lys]CWLARTDPKD

ClinVar aggregate classification (germline): Uncertain significance. Review status: criteria provided, multiple submitters, no conflicts (2 of 4 stars). 2 submissions from 2 submitters: Uncertain significance (2). Last evaluated 2024-12-10.

Allele frequency attached by ClinVar (database versions not stated): TOPMed 0.00052; gnomAD 0.00056; 1000 Genomes Project 30x 0.00078; 1000 Genomes Project 0.00080; ExAC 0.00017; ESP Exome Variant Server 0.00038.
gnomAD v4.1: 165 of 1,613,728 alleles (0.01%); highest among the groups gnomAD compares: African/African-American, 0.2%; no homozygotes.

Submissions (2):

Ambry Genetics
Classification: Uncertain significance. Last evaluated: 2024-12-10. Review status: criteria provided, single submitter. Criteria: Ambry Variant Classification Scheme 2023. Collection method: clinical testing. Allele origin: germline.

Labcorp Genetics (formerly Invitae), Labcorp
Classification: Uncertain significance. Last evaluated: 2022-07-10. Review status: criteria provided, single submitter. Criteria: Invitae Variant Classification Sherloc (09022015). Collection method: clinical testing. Allele origin: germline.
Comment: In summary, the available evidence is currently insufficient to determine the role of this variant in disease. Therefore, it has been classified as a Variant of Uncertain Significance. Algorithms developed to predict the effect of missense changes on protein structure and function (SIFT, PolyPhen-2, Align-GVGD) all suggest that this variant is likely to be disruptive. This variant has not been reported in the literature in individuals affected with PCK2-related conditions. This variant is present in population databases (rs150238269, gnomAD 0.2%), and has an allele count higher than expected for a pathogenic variant. This sequence change replaces asparagine, which is neutral and polar, with lysine, which is basic and polar, at codon 91 of the PCK2 protein (p.Asn91Lys).